The following is an entry in ClinVar:

NM_003922.4(HERC1):c.9325G>A (p.Val3109Ile)

Gene: HERC1 (HECT and RLD domain containing E3 ubiquitin protein ligase family member 1; minus strand). Cytogenetic location: 15q22.31.
Variant type: single nucleotide variant.
Coding change: c.9325G>A on transcript NM_003922.4 (MANE Select); coding-DNA position 9325, G replaced by A.
Protein change: p.Val3109Ile; replaces valine 3109 with isoleucine.
Molecular consequence: missense variant.
Genome position (GRCh38, 1-based): chr15:63,659,835, C>T on the plus strand (G>A on the coding strand, the complement: HERC1 is on the minus strand). VCF-style: chr15-63659835-C-T. GRCh37 (hg19) VCF-style: chr15-63952034-C-T.
Other names: short protein forms V3109I.
Identifiers: ClinVar variation 2067793 (VCV002067793.3), dbSNP rs766914459, ClinGen allele CA7604737.

ClinVar aggregate classification (germline): Uncertain significance. Review status: criteria provided, multiple submitters, no conflicts (2 of 4 stars). 2 submissions from 2 submitters: Uncertain significance (2). Last evaluated 2025-06-03.

Conditions:
Inborn genetic diseases. Identifiers: MedGen C0950123, MeSH D030342.

Allele frequency attached by ClinVar (database versions not stated): TOPMed 0.00003; gnomAD 0.00003; ExAC 0.00015.
gnomAD v4.1: 109 of 1,613,862 alleles (0.0068%); highest among the groups gnomAD compares: South Asian, 0.09%; 1 homozygote.

Submissions (2):

Ambry Genetics
Classification: Uncertain significance for Inborn genetic diseases. Last evaluated: 2025-06-03. Review status: criteria provided, single submitter. Criteria: Ambry Variant Classification Scheme 2023. Collection method: clinical testing. Allele origin: germline.

Labcorp Genetics (formerly Invitae), Labcorp
Classification: Uncertain significance. Last evaluated: 2022-08-06. Review status: criteria provided, single submitter. Criteria: Invitae Variant Classification Sherloc (09022015). Collection method: clinical testing. Allele origin: germline.
Comment: This sequence change replaces valine, which is neutral and non-polar, with isoleucine, which is neutral and non-polar, at codon 3109 of the HERC1 protein (p.Val3109Ile). This variant is present in population databases (rs766914459, gnomAD 0.09%). This variant has not been reported in the literature in individuals affected with HERC1-related conditions. Algorithms developed to predict the effect of missense changes on protein structure and function (SIFT, PolyPhen-2, Align-GVGD) all suggest that this variant is likely to be disruptive. In summary, the available evidence is currently insufficient to determine the role of this variant in disease. Therefore, it has been classified as a Variant of Uncertain Significance.